The following is an entry in ClinVar:

NM_005902.4(SMAD3):c.*301C>T

Gene: SMAD3 (SMAD family member 3; plus strand). Cytogenetic location: 15q22.33.
Variant type: single nucleotide variant.
Coding change: c.*301C>T on transcript NM_005902.4 (MANE Select); 301 bases downstream of the stop codon, C replaced by T.
Molecular consequence: 3 prime UTR variant.
Genome position (GRCh38, 1-based): chr15:67,190,837, C>T. VCF-style: chr15-67190837-C-T. GRCh37 (hg19) VCF-style: chr15-67483175-C-T.
Other names: c.*301C>T (NM_001145102.2, NM_001145103.2, NM_001145104.2).
Identifiers: ClinVar variation 316870 (VCV000316870.36), dbSNP rs72661159, ClinGen allele CA10636406.

ClinVar aggregate classification (germline): Likely benign (1 of 4 stars; one submission).

Allele frequency attached by ClinVar (database versions not stated): 1000 Genomes Project 0.00160; 1000 Genomes Project 30x 0.00172; TOPMed 0.00197; gnomAD 0.00214 and 0.00215; gnomAD exomes 0.00261.
gnomAD v4.1: 1,106 of 457,750 alleles (0.24%); highest among the groups gnomAD compares: Non-Finnish European, 0.37%; 3 homozygotes.

Submission:

CeGaT Center for Human Genetics Tuebingen
Classification: Likely benign. Last evaluated: 2023-02-01. Review status: criteria provided, single submitter. Criteria: CeGaT Center For Human Genetics Tuebingen Variant Classification Criteria Version 2. Collection method: clinical testing. Allele origin: germline. Affected: yes. Observed: 8 variant alleles.
Comment: SMAD3: BS1